The following is an entry in ClinVar:

ClinVar aggregate classification (germline): Uncertain significance (1 of 4 stars; one submission).

Conditions:
Mitochondrial hypertrophic cardiomyopathy with lactic acidosis due to MTO1 deficiency. Also called: CARDIOMYOPATHY, INFANTILE HYPERTROPHIC MITOCHONDRIAL, AND LACTIC ACIDOSIS; Combined oxidative phosphorylation deficiency 10. Identifiers: Orphanet 314637, MedGen C4749921, MONDO:0013865, OMIM 614702.

Submission:

Labcorp Genetics (formerly Invitae), Labcorp
Classification: Uncertain significance for Mitochondrial hypertrophic cardiomyopathy with lactic acidosis due to MTO1 deficiency. Last evaluated: 2025-05-07. Review status: criteria provided, single submitter. Criteria: Invitae Variant Classification Sherloc (09022015). Collection method: clinical testing. Allele origin: germline.
Comment: This sequence change replaces tryptophan, which is neutral and slightly polar, with arginine, which is basic and polar, at codon 333 of the MTO1 protein (p.Trp333Arg). This variant is not present in population databases (gnomAD no frequency). This variant has not been reported in the literature in individuals affected with MTO1-related conditions. Invitae Evidence Modeling of protein sequence and biophysical properties (such as structural, functional, and spatial information, amino acid conservation, physicochemical variation, residue mobility, and thermodynamic stability) has been performed for this missense variant. However, the output from this modeling did not meet the statistical confidence thresholds required to predict the impact of this variant on MTO1 protein function. In summary, the available evidence is currently insufficient to determine the role of this variant in disease. Therefore, it has been classified as a Variant of Uncertain Significance.

NM_012123.4(MTO1):c.997T>C (p.Trp333Arg)

Gene: MTO1 (mitochondrial tRNA translation optimization 1; plus strand). Cytogenetic location: 6q13.
Variant type: single nucleotide variant.
Coding change: c.997T>C on transcript NM_012123.4 (MANE Select); coding-DNA position 997, T replaced by C.
Protein change: p.Trp333Arg; replaces tryptophan 333 with arginine.
Molecular consequence: missense variant.
Genome position (GRCh38, 1-based): chr6:73,479,994, T>C. VCF-style: chr6-73479994-T-C. GRCh37 (hg19) VCF-style: chr6-74189717-T-C.
Other names: c.997T>C, p.Trp333Arg (NM_001123226.2, NM_133645.3); short protein forms W333R.
Identifiers: ClinVar variation 4746277 (VCV004746277.1).